The following is an entry in ClinVar:

NM_001378457.1(DMXL2):c.1024C>A (p.His342Asn)

Gene: DMXL2 (Dmx like 2; minus strand). Cytogenetic location: 15q21.2.
Variant type: single nucleotide variant.
Coding change: c.1024C>A on transcript NM_001378457.1 (MANE Select); coding-DNA position 1024, C replaced by A.
Protein change: p.His342Asn; replaces histidine 342 with asparagine.
Molecular consequence: missense variant. On other transcripts: non-coding transcript variant (2).
Genome position (GRCh38, 1-based): chr15:51,542,414, G>T on the plus strand (C>A on the coding strand, the complement: DMXL2 is on the minus strand). VCF-style: chr15-51542414-G-T. GRCh37 (hg19) VCF-style: chr15-51834611-G-T.
Other names: c.1024C>A, p.His342Asn (NM_001174116.3, NM_001174117.3, NM_001378458.1 and 7 more transcripts); short protein forms H342N.
Identifiers: ClinVar variation 3606175 (VCV003606175.2).

ClinVar aggregate classification (germline): Uncertain significance (1 of 4 stars; one submission).

gnomAD v4.1: 2 of 1,613,724 alleles (0.00012%); highest among the groups gnomAD compares: Middle Eastern, 0.017%; no homozygotes.

Submission:

Labcorp Genetics (formerly Invitae), Labcorp
Classification: Uncertain significance. Last evaluated: 2024-03-06. Review status: criteria provided, single submitter. Criteria: Invitae Variant Classification Sherloc (09022015). Collection method: clinical testing. Allele origin: germline.
Comment: This sequence change replaces histidine, which is basic and polar, with asparagine, which is neutral and polar, at codon 342 of the DMXL2 protein (p.His342Asn). This variant is not present in population databases (gnomAD no frequency). This variant has not been reported in the literature in individuals affected with DMXL2-related conditions. An algorithm developed to predict the effect of missense changes on protein structure and function (PolyPhen-2) suggests that this variant is likely to be disruptive. In summary, the available evidence is currently insufficient to determine the role of this variant in disease. Therefore, it has been classified as a Variant of Uncertain Significance.